The following is an entry in ClinVar:

ClinVar aggregate classification (germline): Uncertain significance (1 of 4 stars; one submission).

Submission:

GeneDx
Classification: Uncertain significance. Last evaluated: 2024-01-03. Review status: criteria provided, single submitter. Criteria: GeneDx Variant Classification Process June 2021. Collection method: clinical testing. Allele origin: germline. Affected: yes.
Comment: Has not been previously published as pathogenic or benign to our knowledge; Not observed at significant frequency in large population cohorts (gnomAD); In silico analysis supports that this missense variant does not alter protein structure/function

NM_197968.4(ZMYM2):c.263A>G (p.Lys88Arg)

Gene: ZMYM2 (zinc finger MYM-type containing 2; plus strand). Cytogenetic location: 13q12.11.
Variant type: single nucleotide variant.
Coding change: c.263A>G on transcript NM_197968.4 (MANE Select); coding-DNA position 263, A replaced by G.
Protein change: p.Lys88Arg; replaces lysine 88 with arginine.
Molecular consequence: missense variant. On other transcripts: non-coding transcript variant (1).
Genome position (GRCh38, 1-based): chr13:19,993,335, A>G. VCF-style: chr13-19993335-A-G. GRCh37 (hg19) VCF-style: chr13-20567475-A-G.
Other names: c.263A>G, p.Lys88Arg (NM_001190964.4, NM_001190965.4, NM_001353157.2 and 6 more transcripts); c.329A>G, p.Lys110Arg (NM_001353161.3); short protein forms K110R, K88R.
Identifiers: ClinVar variation 3367602 (VCV003367602.1).